The following is an entry in ClinVar:

ClinVar aggregate classification (germline): Uncertain significance (1 of 4 stars; one submission).

Submission:

Women's Health and Genetics/Laboratory Corporation of America, LabCorp
Classification: Uncertain significance. Last evaluated: 2026-05-13. Review status: criteria provided, single submitter. Criteria: LabCorp Variant Classification Summary - May 2015. Collection method: clinical testing. Allele origin: germline.
Comment: Variant summary: SPTAN1 c.2650C>G (p.Gln884Glu) results in a conservative amino acid change in the encoded protein sequence. Algorithms developed to predict the effect of missense changes on protein structure and function are either unavailable or do not agree on the potential impact of this missense change. The variant was absent in 251256 control chromosomes. The available data on variant occurrences in the general population are insufficient to allow any conclusion about variant significance. To our knowledge, no occurrence of c.2650C>G in individuals affected with SPTAN1-related conditions and no experimental evidence demonstrating its impact on protein function have been reported. No submitters have cited clinical-significance assessments for this variant to ClinVar. Based on the evidence outlined above, the variant was classified as uncertain significance.

NM_001130438.3(SPTAN1):c.2650C>G (p.Gln884Glu)

Gene: SPTAN1 (spectrin alpha, non-erythrocytic 1; plus strand). Cytogenetic location: 9q34.11.
Variant type: single nucleotide variant.
Coding change: c.2650C>G on transcript NM_001130438.3 (MANE Select); coding-DNA position 2650, C replaced by G.
Protein change: p.Gln884Glu; replaces glutamine 884 with glutamic acid.
Molecular consequence: missense variant.
Genome position (GRCh38, 1-based): chr9:128,585,837, C>G. VCF-style: chr9-128585837-C-G. GRCh37 (hg19) VCF-style: chr9-131348116-C-G.
Other names: c.2650C>G, p.Gln884Glu (NM_001195532.2, NM_001363759.2, NM_001363765.2 and 10 more transcripts); c.2686C>G, p.Gln896Glu (NM_001375312.2, NM_001375318.1, NM_001438440.1); short protein forms Q884E, Q896E.
Identifiers: ClinVar variation 4853151 (VCV004853151.1).